The following is an entry in ClinVar:

ClinVar aggregate classification (germline): Uncertain significance. Review status: criteria provided, multiple submitters, no conflicts (2 of 4 stars). 2 submissions from 2 submitters: Uncertain significance (2). Last evaluated 2025-08-11.

Conditions:
Epidermolysis bullosa simplex 5B, with muscular dystrophy (EBS5B). Also called: Epidermolysis bullosa simplex with muscular dystrophy; EPIDERMOLYSIS BULLOSA SIMPLEX AND LIMB-GIRDLE MUSCULAR DYSTROPHY. Identifiers: Orphanet 257, MedGen C2931072, MONDO:0009181, OMIM 226670.
Epidermolysis bullosa simplex, Ogna type (EBS5A). Also called: Pidermolysis bullosa simplex 5A, Ogna type; EPIDERMOLYSIS BULLOSA SIMPLEX 5A, OGNA TYPE. Identifiers: Orphanet 79401, MedGen C0432317, MONDO:0007555, OMIM 131950.
Autosomal recessive limb-girdle muscular dystrophy type 2Q (LGMDR17). Also called: MUSCULAR DYSTROPHY, LIMB-GIRDLE, AUTOSOMAL RECESSIVE 17. Identifiers: Orphanet 254361, MedGen C3150989, MONDO:0013390, OMIM 613723.
Epidermolysis bullosa simplex with nail dystrophy (EBS5D). Identifiers: MedGen C4225309, MONDO:0014661, OMIM 616487.
Epidermolysis bullosa simplex 5C, with pyloric atresia (EBS5C). Also called: Epidermolysis bullosa simplex with pyloric atresia; PLEC-Related Epidermolysis Bullosa with Pyloric Atresia; PLEC1-Related Epidermolysis Bullosa with Pyloric Atresia. Identifiers: Orphanet 158684, MedGen C2677349, MONDO:0012807, OMIM 612138.

Allele frequency attached by ClinVar (database versions not stated): gnomAD exomes 0.00001 and 0.00002; ExAC 0.00004; gnomAD 0.00015; 1000 Genomes Project 30x 0.00016; ESP Exome Variant Server 0.00016; 1000 Genomes Project 0.00020; TOPMed 0.00022.
gnomAD v4.1: 40 of 1,605,454 alleles (0.0025%); highest among the groups gnomAD compares: African/African-American, 0.037%; no homozygotes.

Submissions (2):

Labcorp Genetics (formerly Invitae), Labcorp
Classification: Uncertain significance for Autosomal recessive limb-girdle muscular dystrophy type 2Q; Epidermolysis bullosa simplex, Ogna type; Epidermolysis bullosa simplex with nail dystrophy; Epidermolysis bullosa simplex 5C, with pyloric atresia; Epidermolysis bullosa simplex 5B, with muscular dystrophy. Last evaluated: 2025-08-11. Review status: criteria provided, single submitter. Criteria: Invitae Variant Classification Sherloc (09022015). Collection method: clinical testing. Allele origin: germline.
Comment: This sequence change replaces glutamic acid, which is acidic and polar, with lysine, which is basic and polar, at codon 2254 of the PLEC protein (p.Glu2254Lys). This variant is present in population databases (rs372884590, gnomAD 0.03%). This variant has not been reported in the literature in individuals affected with PLEC-related conditions. ClinVar contains an entry for this variant (Variation ID: 962252). An algorithm developed to predict the effect of missense changes on protein structure and function (PolyPhen-2) suggests that this variant is likely to be disruptive. In summary, the available evidence is currently insufficient to determine the role of this variant in disease. Therefore, it has been classified as a Variant of Uncertain Significance.

GeneDx
Classification: Uncertain significance. Last evaluated: 2021-06-08. Review status: criteria provided, single submitter. Criteria: GeneDx Variant Classification Process June 2021. Collection method: clinical testing. Allele origin: germline. Affected: yes.
Comment: Has not been previously published as pathogenic or benign to our knowledge; In silico analysis, which includes splice predictors and evolutionary conservation, suggests this variant may impact gene splicing. In the absence of RNA/functional studies, the actual effect of this sequence change is unknown.; In silico analysis supports that this missense variant does not alter protein structure/function; This variant is associated with the following publications: (PMID: 27535533, 22864774)

NM_201384.3(PLEC):c.6679G>A (p.Glu2227Lys)

Gene: PLEC (plectin; minus strand). Cytogenetic location: 8q24.3.
Variant type: single nucleotide variant.
Coding change: c.6679G>A on transcript NM_201384.3 (MANE Select); coding-DNA position 6679, G replaced by A.
Protein change: p.Glu2227Lys; replaces glutamic acid 2227 with lysine.
Molecular consequence: missense variant.
Genome position (GRCh38, 1-based): chr8:143,923,250, C>T on the plus strand (G>A on the coding strand, the complement: PLEC is on the minus strand). VCF-style: chr8-143923250-C-T. GRCh37 (hg19) VCF-style: chr8-144997418-C-T.
Other names: c.6760G>A, p.Glu2254Lys (NM_000445.5); c.6637G>A, p.Glu2213Lys (NM_201378.4); c.6613G>A, p.Glu2205Lys (NM_201379.3); c.7090G>A, p.Glu2364Lys (NM_201380.4); c.6583G>A, p.Glu2195Lys (NM_201381.3); c.6679G>A, p.Glu2227Lys (NM_201382.4); c.6691G>A, p.Glu2231Lys (NM_201383.3); short protein forms E2195K, E2254K, E2231K, E2205K, E2213K, E2227K, E2364K.
Identifiers: ClinVar variation 962252 (VCV000962252.10), dbSNP rs372884590, ClinGen allele CA4925901.
Genomic context (GRCh38, chr8:143,923,250, plus strand): 5'-TGCGTGCCTTGAGCTTGCTCAGCTCCTCCATCTGCACGCGCACCGAGAAGAGCTCCTCCT[C>T]CACCTGGCTGCGCTGGCGTGCGGCCTCCGTGGCCTCCGCCTTCAGCCGCTGCAGCTCCTC-3'
Protein context (NP_958786.1, residues 2217-2237): TEAARQRSQV[Glu2227Lys]EELFSVRVQM